The following is an entry in ClinVar:

NM_000289.6(PFKM):c.736C>T (p.Arg246Ter)

Gene: PFKM (phosphofructokinase, muscle; plus strand). Cytogenetic location: 12q13.11.
Variant type: single nucleotide variant.
Coding change: c.736C>T on transcript NM_000289.6 (MANE Select); coding-DNA position 736, C replaced by T.
Protein change: p.Arg246Ter; replaces arginine 246 with a stop codon.
Molecular consequence: nonsense. On other transcripts: non-coding transcript variant (6).
Genome position (GRCh38, 1-based): chr12:48,134,818, C>T. VCF-style: chr12-48134818-C-T. GRCh37 (hg19) VCF-style: chr12-48528601-C-T.
Other names: p.Arg246*; c.949C>T, p.Arg317Ter (NM_001166686.2, NM_001354737.1, NM_001354738.1 and 1 more transcripts); c.736C>T, p.Arg246Ter (NM_001166687.2, NM_001166688.2, NM_001354742.2 and 4 more transcripts); c.1045C>T, p.Arg349Ter (NM_001354735.1, NM_001354736.1); c.880C>T, p.Arg294Ter (NM_001354740.1); c.760C>T, p.Arg254Ter (NM_001354741.2); c.649C>T, p.Arg217Ter (NM_001354745.2); c.586C>T, p.Arg196Ter (NM_001354747.2, NM_001354748.2); short protein forms R217*, R246*, R254*, R317*, R196*, R294*, R349*.
Identifiers: ClinVar variation 1429839 (VCV001429839.9), dbSNP rs866904446, ClinGen allele CA236511265.
Genomic context (GRCh38, chr12:48,134,818, plus strand): 5'-GACTGGGTTTTTATTCCTGAATGTCCACCAGATGACGACTGGGAGGAACACCTTTGTCGC[C>T]GACTCAGCGAGGTACTTGCACTTTATTTTGCCCTTAAGAAATCCCTCACCCTGTTCCACT-3'

ClinVar aggregate classification (germline): Pathogenic/Likely pathogenic. Review status: criteria provided, multiple submitters, no conflicts (2 of 4 stars). 2 submissions from 2 submitters: Pathogenic (1); Likely pathogenic (1). Last evaluated 2025-12-16.

Conditions:
Glycogen storage disease, type VII (GSD7). Also called: TARUI DISEASE; GSD VII; MUSCLE PHOSPHOFRUCTOKINASE DEFICIENCY; PFKM DEFICIENCY. Identifiers: Orphanet 371, MedGen C0017926, MONDO:0009295, OMIM 232800.

Allele frequency attached by ClinVar (database versions not stated): gnomAD exomes below 0.00001.
gnomAD v4.1: 6 of 1,613,316 alleles (0.00037%); highest among the groups gnomAD compares: Admixed American, 0.0033%; no homozygotes.

Submissions (2):

Labcorp Genetics (formerly Invitae), Labcorp
Classification: Pathogenic for Glycogen storage disease, type VII. Last evaluated: 2025-12-16. Review status: criteria provided, single submitter. Criteria: Invitae Variant Classification Sherloc (09022015). Collection method: clinical testing. Allele origin: germline.
Comment: This sequence change creates a premature translational stop signal (p.Arg246*) in the PFKM gene. It is expected to result in an absent or disrupted protein product. Loss-of-function variants in PFKM are known to be pathogenic (PMID: 7825568, 8037209). This variant is present in population databases (no rsID available, gnomAD 0.0009%). This variant has not been reported in the literature in individuals affected with PFKM-related conditions. ClinVar contains an entry for this variant (Variation ID: 1429839). For these reasons, this variant has been classified as Pathogenic.

Mayo Clinic Laboratories, Mayo Clinic
Classification: Likely pathogenic. Last evaluated: 2024-10-23. Review status: criteria provided, single submitter. Criteria: ACMG Guidelines, 2015. Collection method: clinical testing. Allele origin: germline. Observed: 1 variant allele.
Comment: PM2_supporting, PVS1

Literature cited by the submitters: PubMed 7825568 (cited by Labcorp Genetics (formerly Invitae), Labcorp); PubMed 8037209 (cited by Labcorp Genetics (formerly Invitae), Labcorp).